The following is an entry in ClinVar:

NM_152564.5(VPS13B):c.762+8T>A

Gene: VPS13B (vacuolar protein sorting 13 homolog B; plus strand). Cytogenetic location: 8q22.2.
Variant type: single nucleotide variant.
Coding change: c.762+8T>A on transcript NM_152564.5 (MANE Select); 8 bases into the intron after coding-DNA position 762, T replaced by A.
Molecular consequence: intron variant.
Genome position (GRCh38, 1-based): chr8:99,111,287, T>A. VCF-style: chr8-99111287-T-A. GRCh37 (hg19) VCF-style: chr8-100123515-T-A.
Other names: c.762+8T>A (NM_017890.5, NM_015243.3, NM_181661.3).
Identifiers: ClinVar variation 3344415 (VCV003344415.1).

ClinVar aggregate classification (germline): Likely benign (0 of 4 stars; one submission).

Conditions:
VPS13B-related disorder. Also called: VPS13B-related condition.

gnomAD v4.1: 1 of 1,596,164 alleles (0.000063%); highest among the groups gnomAD compares: Non-Finnish European, 0.000085%; no homozygotes.

Submission:

PreventionGenetics, part of Exact Sciences
Classification: Likely benign for VPS13B-related condition. Last evaluated: 2024-05-14. Review status: no assertion criteria provided. Collection method: clinical testing. Allele origin: germline.
Comment: This variant is classified as likely benign based on ACMG/AMP sequence variant interpretation guidelines (Richards et al. 2015 PMID: 25741868, with internal and published modifications).